The following is an entry in ClinVar:

NM_007194.4(CHEK2):c.205C>A (p.Gln69Lys)

Gene: CHEK2 (checkpoint kinase 2; minus strand). Cytogenetic location: 22q12.1.
Variant type: single nucleotide variant.
Coding change: c.205C>A on transcript NM_007194.4 (MANE Select); coding-DNA position 205, C replaced by A.
Protein change: p.Gln69Lys; replaces glutamine 69 with lysine.
Molecular consequence: missense variant.
Genome position (GRCh38, 1-based): chr22:28,734,517, G>T on the plus strand (C>A on the coding strand, the complement: CHEK2 is on the minus strand). VCF-style: chr22-28734517-G-T. GRCh37 (hg19) VCF-style: chr22-29130505-G-T.
Other names: c.205C>A, p.Gln69Lys (NM_001005735.3, NM_001349956.3, NM_145862.3); c.-573C>A (NM_001257387.3); short protein forms Q69K.
Identifiers: ClinVar variation 2809665 (VCV002809665.3), dbSNP rs768384031, ClinGen allele CA10168061.
Genomic context (GRCh38, chr22:28,734,517, plus strand): 5'-TAGGCTCCTCAGGTTCTTGGTCCTCAGGTTCTTGGTCCTCAGGAATAGAATAGAGTTCCT[G>T]AGTGGACACTGTCTCTAAGGAGCTCAGTGTCCCAGAGCTGGAGTGAGAGGACTGGCTGGA-3'
Protein context (NP_009125.1, residues 59-79): TLSSLETVST[Gln69Lys]ELYSIPEDQE

ClinVar aggregate classification (germline): Uncertain significance (1 of 4 stars; one submission).

Conditions:
Familial cancer of breast. Also called: BREAST CANCER, FAMILIAL; hereditary breast carcinoma; Hereditary breast cancer. Identifiers: Orphanet 227535, MedGen C0346153, MONDO:0016419, OMIM 114480. Disease mechanism: loss of function.

Allele frequency attached by ClinVar (database versions not stated): gnomAD exomes below 0.00001; ExAC 0.00001.
gnomAD v4.1: 1 of 1,614,044 alleles (0.000062%); highest among the groups gnomAD compares: East Asian, 0.0022%; no homozygotes.

Submission:

Labcorp Genetics (formerly Invitae), Labcorp
Classification: Uncertain significance for Familial cancer of breast. Last evaluated: 2024-09-19. Review status: criteria provided, single submitter. Criteria: Invitae Variant Classification Sherloc (09022015). Collection method: clinical testing. Allele origin: germline.
Comment: This sequence change replaces glutamine, which is neutral and polar, with lysine, which is basic and polar, at codon 69 of the CHEK2 protein (p.Gln69Lys). This variant is present in population databases (rs768384031, gnomAD 0.006%). This variant has not been reported in the literature in individuals affected with CHEK2-related conditions. An algorithm developed to predict the effect of missense changes on protein structure and function (PolyPhen-2) suggests that this variant is likely to be disruptive. In summary, the available evidence is currently insufficient to determine the role of this variant in disease. Therefore, it has been classified as a Variant of Uncertain Significance.